The following is an entry in ClinVar:

ClinVar aggregate classification (germline): Uncertain significance (1 of 4 stars; one submission).

Submission:

Labcorp Genetics (formerly Invitae), Labcorp
Classification: Uncertain significance. Last evaluated: 2024-07-12. Review status: criteria provided, single submitter. Criteria: Invitae Variant Classification Sherloc (09022015). Collection method: clinical testing. Allele origin: germline.
Comment: This sequence change replaces glutamic acid, which is acidic and polar, with glycine, which is neutral and non-polar, at codon 614 of the JPH3 protein (p.Glu614Gly). This variant is not present in population databases (gnomAD no frequency). This variant has not been reported in the literature in individuals affected with JPH3-related conditions. An algorithm developed to predict the effect of missense changes on protein structure and function (PolyPhen-2) suggests that this variant is likely to be disruptive. In summary, the available evidence is currently insufficient to determine the role of this variant in disease. Therefore, it has been classified as a Variant of Uncertain Significance.

NM_020655.4(JPH3):c.1841A>G (p.Glu614Gly)

Gene: JPH3 (junctophilin 3; plus strand). Cytogenetic location: 16q24.2.
Variant type: single nucleotide variant.
Coding change: c.1841A>G on transcript NM_020655.4 (MANE Select); coding-DNA position 1841, A replaced by G.
Protein change: p.Glu614Gly; replaces glutamic acid 614 with glycine.
Molecular consequence: missense variant. On other transcripts: non-coding transcript variant (1).
Genome position (GRCh38, 1-based): chr16:87,690,201, A>G. VCF-style: chr16-87690201-A-G. GRCh37 (hg19) VCF-style: chr16-87723807-A-G.
Other names: short protein forms E614G.
Identifiers: ClinVar variation 3659388 (VCV003659388.2).